The following is an entry in ClinVar:

ClinVar aggregate classification (germline): Uncertain significance (1 of 4 stars; one submission).

Submission:

Labcorp Genetics (formerly Invitae), Labcorp
Classification: Uncertain significance. Last evaluated: 2024-10-06. Review status: criteria provided, single submitter. Criteria: Invitae Variant Classification Sherloc (09022015). Collection method: clinical testing. Allele origin: germline.
Comment: This variant, c.2245_2247del, results in the deletion of 1 amino acid(s) of the AP3D1 protein (p.Lys749del), but otherwise preserves the integrity of the reading frame. This variant is present in population databases (no rsID available, gnomAD 0.0009%). This variant has not been reported in the literature in individuals affected with AP3D1-related conditions. ClinVar contains an entry for this variant (Variation ID: 1515749). Experimental studies and prediction algorithms are not available or were not evaluated, and the functional significance of this variant is currently unknown. In summary, the available evidence is currently insufficient to determine the role of this variant in disease. Therefore, it has been classified as a Variant of Uncertain Significance.

NM_001261826.3(AP3D1):c.2245_2247del (p.Lys749del)

Gene: AP3D1 (adaptor related protein complex 3 subunit delta 1; minus strand). Cytogenetic location: 19p13.3.
Variant type: Deletion.
Coding change: c.2245_2247del on transcript NM_001261826.3 (MANE Select); coding-DNA positions 2245 to 2247, 3 bases deleted (AAG; older notation c.2245_2247delAAG).
Protein change: p.Lys749del; deletes lysine 749.
Molecular consequence: inframe deletion.
Genome position (GRCh38, 1-based): chr19:2,115,321-2,115,323, CTT deleted on the plus strand (AAG on the coding strand, the reverse complement: AP3D1 is on the minus strand); deleting any 3 consecutive bases within chr19:2,115,321-2,115,325 gives the same sequence; the c. name uses the placement nearest the transcript's 3' end. VCF-style (leftmost placement, unchanged base first): chr19-2115320-CCTT-C. GRCh37 (hg19) VCF-style: chr19-2115319-CCTT-C.
Other names: c.2245_2247del, p.Lys749del (NM_001374799.1, NM_003938.8); short protein forms K749del.
Identifiers: ClinVar variation 1515749 (VCV001515749.6), dbSNP rs1278557609, ClinGen allele CA631305131.